The following is an entry in ClinVar:

ClinVar aggregate classification (germline): Uncertain significance (1 of 4 stars; one submission).

Conditions:
Primary ciliary dyskinesia. Also called: Ciliary dyskinesia. Identifiers: Orphanet 244, MedGen C0008780, MONDO:0016575, HP:0012265.

Allele frequency attached by ClinVar (database versions not stated): gnomAD exomes below 0.00001.
gnomAD v4.1: 1 of 1,609,950 alleles (0.000062%); highest among the groups gnomAD compares: East Asian, 0.0022%; no homozygotes.

Submission:

Ambry Genetics
Classification: Uncertain significance for Primary ciliary dyskinesia. Last evaluated: 2022-12-19. Review status: criteria provided, single submitter. Criteria: Ambry Variant Classification Scheme 2023. Collection method: clinical testing. Allele origin: germline.
Comment: The p.T1198S variant (also known as c.3593C>G), located in coding exon 18 of the DNAH11 gene, results from a C to G substitution at nucleotide position 3593. The threonine at codon 1198 is replaced by serine, an amino acid with similar properties. This amino acid position is conserved. In addition, this alteration is predicted to be tolerated by in silico analysis. Since supporting evidence is limited at this time, the clinical significance of this alteration remains unclear.

NM_001277115.2(DNAH11):c.3593C>G (p.Thr1198Ser)

Gene: DNAH11 (dynein axonemal heavy chain 11; plus strand). Cytogenetic location: 7p15.3.
Variant type: single nucleotide variant.
Coding change: c.3593C>G on transcript NM_001277115.2 (MANE Select); coding-DNA position 3593, C replaced by G.
Protein change: p.Thr1198Ser; replaces threonine 1198 with serine.
Molecular consequence: missense variant.
Genome position (GRCh38, 1-based): chr7:21,601,563, C>G. VCF-style: chr7-21601563-C-G. GRCh37 (hg19) VCF-style: chr7-21641181-C-G.
Other names: c.3593C>G, p.Thr1198Ser (NM_003777.3); short protein forms T1198S.
Identifiers: ClinVar variation 2454177 (VCV002454177.2), dbSNP rs2534636570, ClinGen allele CA366947319.